The following is an entry in ClinVar:

ClinVar aggregate classification (germline): Conflicting classifications of pathogenicity. Review status: criteria provided, conflicting classifications (1 of 4 stars). 5 submissions from 5 submitters: Likely pathogenic (1); Uncertain significance (3). 1 of the submissions does not count toward it. Last evaluated 2025-08-05.

Conditions:
Charcot-Marie-Tooth disease. Also called: Charcot-Marie-Tooth Neuropathy; Charcot-Marie-Tooth Hereditary Neuropathy. Identifiers: Orphanet 166, MedGen C0007959, MONDO:0015626.
Charcot-Marie-Tooth disease X-linked dominant 1. Also called: HEREDITARY MOTOR AND SENSORY NEUROPATHY, X-LINKED; HMSN, X-LINKED; X-linked Charcot-Marie-Tooth disease type 1; GJB1 Disorders: Charcot-Marie-Tooth Neuropathy (CMT1X) and Central Nervous System Phenotypes; CHARCOT-MARIE-TOOTH NEUROPATHY, X-LINKED, 1; CHARCOT-MARIE-TOOTH PERONEAL MUSCULAR ATROPHY, X-LINKED. Identifiers: Orphanet 101075, MedGen C0393808, MONDO:0010549, OMIM 302800.

Submissions (5):

Human Genetics Bochum, Ruhr University Bochum
Classification: Uncertain significance for Charcot-Marie-Tooth disease X-linked dominant 1. Last evaluated: 2025-08-05. Review status: criteria provided, single submitter. Criteria: ACMG Guidelines, 2015. Collection method: clinical testing. Allele origin: germline. Affected: yes.
Comment: ACMG criteria used to clasify this variant: PM1, PS4_SUP, PM2_SUP, PP3

GeneDx
Classification: Likely pathogenic. Last evaluated: 2025-07-17. Review status: criteria provided, single submitter. Criteria: GeneDx Variant Classification Process June 2021. Collection method: clinical testing. Allele origin: germline. Affected: yes.
Comment: Not observed at significant frequency in large population cohorts (gnomAD); Missense variants in this gene are a common cause of disease and they are underrepresented in the general population; In silico analysis supports that this missense variant has a deleterious effect on protein structure/function; This variant is associated with the following publications: (PMID: 12715686, 18379723)

Mayo Clinic Laboratories, Mayo Clinic
Classification: Uncertain significance. Last evaluated: 2024-02-27. Review status: criteria provided, single submitter. Criteria: ACMG Guidelines, 2015. Collection method: clinical testing. Allele origin: germline. Observed: 1 variant allele.
Comment: PM2

CeGaT Center for Human Genetics Tuebingen
Classification: Uncertain significance. Last evaluated: 2017-02-01. Review status: criteria provided, single submitter. Criteria: CeGaT Center For Human Genetics Tuebingen Variant Classification Criteria Version 2. Collection method: clinical testing. Allele origin: germline. Affected: yes. Observed: 1 variant allele.

Inherited Neuropathy Consortium
Classification: Uncertain significance for Charcot-Marie-Tooth disease. Review status: no assertion criteria provided. Collection method: literature only. Allele origin: germline. Affected: yes. Not counted in ClinVar's aggregate classification.

Literature cited by the submitters: PubMed 14960772 (cited by Mayo Clinic Laboratories, Mayo Clinic and Inherited Neuropathy Consortium); PubMed 21291455 (cited by Mayo Clinic Laboratories, Mayo Clinic).

NM_000166.6(GJB1):c.329G>A (p.Gly110Asp)

Gene: GJB1 (gap junction protein beta 1; plus strand). Cytogenetic location: Xq13.1.
Variant type: single nucleotide variant.
Coding change: c.329G>A on transcript NM_000166.6 (MANE Select); coding-DNA position 329, G replaced by A.
Protein change: p.Gly110Asp; replaces glycine 110 with aspartic acid.
Molecular consequence: missense variant.
Genome position (GRCh38, 1-based): chrX:71,224,036, G>A. VCF-style: chrX-71224036-G-A. GRCh37 (hg19) VCF-style: chrX-70443886-G-A.
Other names: p.Gly110Asp; c.329G>A, p.Gly110Asp (NM_001097642.3); short protein forms G110D.
Identifiers: ClinVar variation 444810 (VCV000444810.47), dbSNP rs1555937145, ClinGen allele CA413501934.